The following is an entry in ClinVar:

NM_004082.5(DCTN1):c.2103C>G (p.Phe701Leu)

Gene: DCTN1 (dynactin subunit 1; minus strand). Cytogenetic location: 2p13.1.
Variant type: single nucleotide variant.
Coding change: c.2103C>G on transcript NM_004082.5 (MANE Select); coding-DNA position 2103, C replaced by G.
Protein change: p.Phe701Leu; replaces phenylalanine 701 with leucine.
Molecular consequence: missense variant. On other transcripts: non-coding transcript variant (1).
Genome position (GRCh38, 1-based): chr2:74,367,777, G>C on the plus strand (C>G on the coding strand, the complement: DCTN1 is on the minus strand). VCF-style: chr2-74367777-G-C. GRCh37 (hg19) VCF-style: chr2-74594904-G-C.
Other names: c.2043C>G, p.Phe681Leu (NM_001135040.3); c.1701C>G, p.Phe567Leu (NM_001135041.3, NM_023019.4); c.1992C>G, p.Phe664Leu (NM_001190836.2); c.2082C>G, p.Phe694Leu (NM_001190837.2); c.2052C>G, p.Phe684Leu (NM_001378991.1); c.2034C>G, p.Phe678Leu (NM_001378992.1); short protein forms F664L, F701L, F678L, F694L, F567L, F681L, F684L.
Identifiers: ClinVar variation 952198 (VCV000952198.10), dbSNP rs1309359471, ClinGen allele CA347351048.
Genomic context (GRCh38, chr2:74,367,777, plus strand): 5'-GGTGAGAGGCTCCACATTGACAGTCTCATCCAGCTGATCCTTGTGCAGCAGTTCAATGAG[G>C]AAATCCAAGGAGCGCTCATGGGCACTCATCTCAGGGTACAGGCTGCCCACTTTCTTATAC-3'
Protein context (NP_004073.2, residues 691-711): EMSAHERSLD[Phe701Leu]LIELLHKDQL

ClinVar aggregate classification (germline): Uncertain significance (1 of 4 stars; one submission).

Conditions:
Amyotrophic lateral sclerosis type 1 (ALS1). Also called: AMYOTROPHIC LATERAL SCLEROSIS 1, FAMILIAL. Identifiers: Orphanet 803, MedGen C1862939, MONDO:0007103, OMIM 105400.
Perry syndrome. Also called: PARKINSONISM WITH ALVEOLAR HYPOVENTILATION AND MENTAL DEPRESSION. Identifiers: Orphanet 178509, MedGen C1868594, MONDO:0008201, OMIM 168605.
Neuronopathy, distal hereditary motor, type 7B. Also called: LOWER MOTOR NEURON DISEASE, DYNACTIN TYPE; NEURONOPATHY, DISTAL HEREDITARY MOTOR, AUTOSOMAL DOMINANT 14; NEURONOPATHY, DISTAL HEREDITARY MOTOR, HARDING TYPE VIIB; NEUROPATHY, DISTAL HEREDITARY MOTOR, HARDING TYPE VIIB; NEUROPATHY, DISTAL HEREDITARY MOTOR, WITH VOCAL CORD PARALYSIS, HARDING TYPE VIIB; Distal Hereditary Motor Neuronopathy Type 7B (dHMN7B). Identifiers: Orphanet 139589, MedGen C1843315, MONDO:0011879, OMIM 607641.

Allele frequency attached by ClinVar (database versions not stated): gnomAD 0.00001; TOPMed 0.00001.
gnomAD v4.1: 2 of 1,614,072 alleles (0.00012%); highest among the groups gnomAD compares: Non-Finnish European, 0.00017%; no homozygotes.

Submission:

Labcorp Genetics (formerly Invitae), Labcorp
Classification: Uncertain significance for Amyotrophic lateral sclerosis type 1; Neuronopathy, distal hereditary motor, type 7B; Perry syndrome. Last evaluated: 2024-08-28. Review status: criteria provided, single submitter. Criteria: Invitae Variant Classification Sherloc (09022015). Collection method: clinical testing. Allele origin: germline.
Comment: This sequence change replaces phenylalanine, which is neutral and non-polar, with leucine, which is neutral and non-polar, at codon 701 of the DCTN1 protein (p.Phe701Leu). This variant is not present in population databases (gnomAD no frequency). This variant has not been reported in the literature in individuals affected with DCTN1-related conditions. ClinVar contains an entry for this variant (Variation ID: 952198). Invitae Evidence Modeling of protein sequence and biophysical properties (such as structural, functional, and spatial information, amino acid conservation, physicochemical variation, residue mobility, and thermodynamic stability) indicates that this missense variant is not expected to disrupt DCTN1 protein function with a negative predictive value of 80%. In summary, the available evidence is currently insufficient to determine the role of this variant in disease. Therefore, it has been classified as a Variant of Uncertain Significance.